The following is an entry in ClinVar:

NM_001267550.2(TTN):c.101012C>A (p.Ala33671Asp)

Genes: TTN (titin; minus strand), TTN-AS1 (TTN antisense RNA 1; plus strand). Cytogenetic location: 2q31.2.
Variant type: single nucleotide variant.
Coding change: c.101012C>A on transcript NM_001267550.2 (MANE Select); coding-DNA position 101012, C replaced by A.
Protein change: p.Ala33671Asp; replaces alanine 33671 with aspartic acid.
Molecular consequence: missense variant.
Genome position (GRCh38, 1-based): chr2:178,535,603, G>T on the plus strand (C>A on the coding strand, the complement: TTN is on the minus strand). VCF-style: chr2-178535603-G-T. GRCh37 (hg19) VCF-style: chr2-179400330-G-T.
Other names: c.96089C>A, p.Ala32030Asp (NM_001256850.1); c.73817C>A, p.Ala24606Asp (NM_003319.4); c.93308C>A, p.Ala31103Asp (NM_133378.4); c.74192C>A, p.Ala24731Asp (NM_133432.3); c.74393C>A, p.Ala24798Asp (NM_133437.4); short protein forms A31103D, A32030D, A24731D, A24798D, A33671D, A24606D.
Identifiers: ClinVar variation 644651 (VCV000644651.1), dbSNP rs1575296563, ClinGen allele CA349422056.
Genomic context (GRCh38, chr2:178,535,603, plus strand): 5'-TCAGGAACATCAGCCACATCCAGTTCAACTGTCTTCTGATCAATTCCAAATCTGTTTTTA[G>T]CACAGACCACATAGAAACCAGCATCTTTTCTCTCTACCCCATTGGGGAAAACAAGTGATG-3'
Protein context (NP_001254479.2, residues 33661-33681): RKDAGFYVVC[Ala33671Asp]KNRFGIDQKT

ClinVar aggregate classification (germline): Uncertain significance (1 of 4 stars; one submission).

Conditions:
Dilated cardiomyopathy 1G (CMD1G). Identifiers: Orphanet 154, MedGen C1858763, MONDO:0011400, OMIM 604145.
Autosomal recessive limb-girdle muscular dystrophy type 2J (LGMDR10). Also called: Limb-girdle muscular dystrophy, type 2J; MUSCULAR DYSTROPHY, LIMB-GIRDLE, AUTOSOMAL RECESSIVE 10. Identifiers: Orphanet 140922, MedGen C1837342, MONDO:0012127, OMIM 608807.

Allele frequency attached by ClinVar (database versions not stated): TOPMed below 0.00001; gnomAD 0.00001.
gnomAD v4.1: 1 of 1,613,676 alleles (0.000062%); highest among the groups gnomAD compares: Non-Finnish European, 0.000085%; no homozygotes.

Submission:

Labcorp Genetics (formerly Invitae), Labcorp
Classification: Uncertain significance for Dilated cardiomyopathy 1G; Limb-girdle muscular dystrophy, type 2J. Last evaluated: 2018-12-19. Review status: criteria provided, single submitter. Criteria: Invitae Variant Classification Sherloc (09022015). Collection method: clinical testing. Allele origin: germline.
Comment: This sequence change replaces alanine with aspartic acid at codon 33671 of the TTN protein (p.Ala33671Asp).Â¬â€  There is a moderate physicochemical difference between alanine and aspartic acid. This variant is not present in population databases (ExAC no frequency). This variant has not been reported in the literature in individuals with TTN-related conditions. This variant is located in the M band of TTN (PMID: 25589632).Â¬â€ Variants in this region may be relevant for neuromuscular disorders, but have not been definitively shown to cause cardiomyopathy (PMID: 23975875). Algorithms developed to predict the effect of missense changes on protein structure and function are unavailable for the TTN gene. In summary, the available evidence is currently insufficient to determine the role of this variant in disease. Therefore, it has been classified as a Variant of Uncertain Significance.

Literature cited by the submitters: PubMed 25589632; PubMed 23975875.